The following is an entry in ClinVar:

NM_153240.5(NPHP3):c.274G>C (p.Glu92Gln)

Genes: NPHP3 (nephrocystin 3; minus strand), NPHP3-ACAD11 (NPHP3-ACAD11 readthrough (NMD candidate); minus strand), NPHP3-AS1 (NPHP3 antisense RNA 1; plus strand), LOC129937586 (ATAC-STARR-seq lymphoblastoid silent region 14743; plus strand). Cytogenetic location: 3q22.1.
Variant type: single nucleotide variant.
Coding change: c.274G>C on transcript NM_153240.5 (MANE Select); coding-DNA position 274, G replaced by C.
Protein change: p.Glu92Gln; replaces glutamic acid 92 with glutamine.
Molecular consequence: missense variant. On other transcripts: non-coding transcript variant (3).
Genome position (GRCh38, 1-based): chr3:132,722,082, C>G on the plus strand (G>C on the coding strand, the complement: NPHP3 is on the minus strand). VCF-style: chr3-132722082-C-G. GRCh37 (hg19) VCF-style: chr3-132440926-C-G.
Other names: short protein forms E92Q.
Identifiers: ClinVar variation 2124203 (VCV002124203.4), dbSNP rs1205014359, ClinGen allele CA354589137.

ClinVar aggregate classification (germline): Uncertain significance (1 of 4 stars; one submission).

Conditions:
Nephronophthisis. Also called: Juvenile Nephronophthisis. Identifiers: Orphanet 655, MedGen C0687120, MONDO:0019005, HP:0000090.

Allele frequency attached by ClinVar (database versions not stated): TOPMed below 0.00001; gnomAD 0.00001.
gnomAD v4.1: 12 of 1,610,794 alleles (0.00074%); highest among the groups gnomAD compares: Non-Finnish European, 0.001%; no homozygotes.

Submission:

Labcorp Genetics (formerly Invitae), Labcorp
Classification: Uncertain significance for Nephronophthisis. Last evaluated: 2025-06-16. Review status: criteria provided, single submitter. Criteria: Invitae Variant Classification Sherloc (09022015). Collection method: clinical testing. Allele origin: germline.
Comment: This sequence change replaces glutamic acid, which is acidic and polar, with glutamine, which is neutral and polar, at codon 92 of the NPHP3 protein (p.Glu92Gln). This variant is not present in population databases (gnomAD no frequency). This variant has not been reported in the literature in individuals affected with NPHP3-related conditions. ClinVar contains an entry for this variant (Variation ID: 2124203). Invitae Evidence Modeling of protein sequence and biophysical properties (such as structural, functional, and spatial information, amino acid conservation, physicochemical variation, residue mobility, and thermodynamic stability) has been performed for this missense variant. However, the output from this modeling did not meet the statistical confidence thresholds required to predict the impact of this variant on NPHP3 protein function. In summary, the available evidence is currently insufficient to determine the role of this variant in disease. Therefore, it has been classified as a Variant of Uncertain Significance.